The following is an entry in ClinVar:

NM_001453.3(FOXC1):c.1142_1156del (p.Ala381_Gly385del)

Gene: FOXC1 (forkhead box C1; plus strand). Cytogenetic location: 6p25.3.
Variant type: Deletion.
Coding change: c.1142_1156del on transcript NM_001453.3 (MANE Select); coding-DNA positions 1142 to 1156, 15 bases deleted (CGGGGGCCGCGGGGG).
Protein change: p.Ala381_Gly385del.
Genome position (GRCh38, 1-based): chr6:1,611,587-1,611,601, CGGGGGCCGCGGGGG deleted; deleting any 15 consecutive bases within chr6:1,611,586-1,611,601 gives the same sequence; the c. name uses the placement nearest the transcript's 3' end. VCF-style (leftmost placement, unchanged base first): chr6-1611585-CGCGGGGGCCGCGGGG-C. GRCh37 (hg19) VCF-style: chr6-1611820-CGCGGGGGCCGCGGGG-C.
Identifiers: ClinVar variation 3042308 (VCV003042308.2), dbSNP rs750362304, ClinGen allele CA3614873.

ClinVar aggregate classification (germline): Likely benign (0 of 4 stars; one submission).

Conditions:
FOXC1-related disorder. Also called: FOXC1-related condition.

Submission:

PreventionGenetics, part of Exact Sciences
Classification: Likely benign for FOXC1-related condition. Last evaluated: 2019-04-10. Review status: no assertion criteria provided. Collection method: clinical testing. Allele origin: germline.
Comment: This variant is classified as likely benign based on ACMG/AMP sequence variant interpretation guidelines (Richards et al. 2015 PMID: 25741868, with internal and published modifications).